The following is an entry in ClinVar:

NM_000362.5(TIMP3):c.110A>G (p.Asn37Ser)

Genes: SYN3 (synapsin III; minus strand), TIMP3 (TIMP metallopeptidase inhibitor 3; plus strand). Cytogenetic location: 22q12.3.
Variant type: single nucleotide variant.
Coding change: c.110A>G on transcript NM_000362.5 (MANE Select); coding-DNA position 110, A replaced by G.
Protein change: p.Asn37Ser; replaces asparagine 37 with serine.
Molecular consequence: missense variant. On other transcripts: intron variant (7).
Genome position (GRCh38, 1-based): chr22:32,802,111, A>G. VCF-style: chr22-32802111-A-G. GRCh37 (hg19) VCF-style: chr22-33198097-A-G.
Other names: c.110A>G (NM_000362.4); c.708+62804T>C (NM_001369909.1, NM_001135774.2, NM_001369910.1); c.711+62804T>C (NM_001369907.1, NM_003490.4, NM_001369908.1 and 1 more transcripts); short protein forms N37S.
Identifiers: ClinVar variation 1490697 (VCV001490697.8), dbSNP rs554775591, ClinGen allele CA10202150.

ClinVar aggregate classification (germline): Conflicting classifications of pathogenicity. Review status: criteria provided, conflicting classifications (1 of 4 stars). 3 submissions from 3 submitters: Uncertain significance (2); Likely benign (1). Last evaluated 2026-01-06.

Allele frequency attached by ClinVar (database versions not stated): gnomAD exomes 0.00001 and 0.00004; ExAC 0.00003; TOPMed 0.00014; gnomAD 0.00021 and 0.00023; 1000 Genomes Project 30x 0.00031; 1000 Genomes Project 0.00040.
gnomAD v4.1: 46 of 1,582,688 alleles (0.0029%); highest among the groups gnomAD compares: African/African-American, 0.056%; no homozygotes.

Submissions (3):

Labcorp Genetics (formerly Invitae), Labcorp
Classification: Uncertain significance. Last evaluated: 2026-01-06. Review status: criteria provided, single submitter. Criteria: Invitae Variant Classification Sherloc (09022015). Collection method: clinical testing. Allele origin: germline.
Comment: This sequence change replaces asparagine, which is neutral and polar, with serine, which is neutral and polar, at codon 37 of the TIMP3 protein (p.Asn37Ser). This variant is present in population databases (rs554775591, gnomAD 0.05%), and has an allele count higher than expected for a pathogenic variant. This variant has not been reported in the literature in individuals affected with TIMP3-related conditions. ClinVar contains an entry for this variant (Variation ID: 1490697). An algorithm developed to predict the effect of missense changes on protein structure and function (PolyPhen-2) suggests that this variant is likely to be disruptive. In summary, the available evidence is currently insufficient to determine the role of this variant in disease. Therefore, it has been classified as a Variant of Uncertain Significance.

Ambry Genetics
Classification: Uncertain significance. Last evaluated: 2025-08-12. Review status: criteria provided, single submitter. Criteria: Ambry Variant Classification Scheme 2023. Collection method: clinical testing. Allele origin: germline.

Blueprint Genetics
Classification: Likely benign. Last evaluated: 2022-04-12. Review status: criteria provided, single submitter. Criteria: ACMG Guidelines, 2015. Collection method: clinical testing. Allele origin: germline.